The following is an entry in ClinVar:

NM_001018005.2(TPM1):c.804A>G (p.Lys268=)

Gene: TPM1 (tropomyosin 1; plus strand). Cytogenetic location: 15q22.2.
Variant type: single nucleotide variant.
Coding change: c.804A>G on transcript NM_001018005.2 (MANE Select); coding-DNA position 804, A replaced by G.
Protein change: p.Lys268=; no amino-acid change (lysine 268 retained).
Molecular consequence: synonymous variant. On other transcripts: 3 prime UTR variant (3), non-coding transcript variant (7), intron variant (18).
Genome position (GRCh38, 1-based): chr15:63,064,095, A>G. VCF-style: chr15-63064095-A-G. GRCh37 (hg19) VCF-style: chr15-63356294-A-G.
Other names: c.804A>G, p.Lys268= (NM_000366.6, NM_001301244.2, NM_001365779.1 and 8 more transcripts); c.696A>G, p.Lys232= (NM_001330346.2, NM_001365781.2, NM_001365782.1 and 1 more transcripts); c.930A>G, p.Lys310= (NM_001407322.1, NM_001407323.1, NM_001407324.1); c.*1286A>G (NM_001407325.1, NM_001407340.1, NM_001407341.1); c.898+1450A>G (NM_001365778.1); c.772+1450A>G (NM_001407336.1, NM_001018020.2, NM_001407338.1 and 8 more transcripts); c.664+1450A>G (NM_001330351.2, NM_001330344.2, NM_001018008.2 and 3 more transcripts).
Identifiers: ClinVar variation 3075404 (VCV003075404.2), dbSNP rs1279188900, ClinGen allele CA618532536.

ClinVar aggregate classification (germline): Likely benign. Review status: criteria provided, multiple submitters, no conflicts (2 of 4 stars). 2 submissions from 2 submitters: Likely benign (2). Last evaluated 2025-04-20.

Conditions:
Hypertrophic cardiomyopathy. Also called: HYPERTROPHIC MYOCARDIOPATHY. Identifiers: Orphanet 217569, MedGen C0007194, MeSH D002312, MONDO:0005045, HP:0001639.

Allele frequency attached by ClinVar (database versions not stated): gnomAD exomes below 0.00001.
gnomAD v4.1: 1 of 1,614,152 alleles (0.000062%); highest among the groups gnomAD compares: Non-Finnish European, 0.000085%; no homozygotes.

Submissions (2):

Labcorp Genetics (formerly Invitae), Labcorp
Classification: Likely benign for Hypertrophic cardiomyopathy. Last evaluated: 2025-04-20. Review status: criteria provided, single submitter. Criteria: Invitae Variant Classification Sherloc (09022015). Collection method: clinical testing. Allele origin: germline.

All of Us Research Program, National Institutes of Health
Classification: Likely benign for Hypertrophic cardiomyopathy. Last evaluated: 2024-02-05. Review status: criteria provided, single submitter. Criteria: ACMG Guidelines, 2015. Collection method: clinical testing. Allele origin: germline. Inheritance: Autosomal dominant inheritance. Observed: 1 variant allele, 1 heterozygote.
Comment: This study involves interpretation of variants in research participants for the purpose of population health screening. Participant phenotype was not available at the time of variant classification. Additional details can be found in publication PMID: 35346344, PMCID: PMC8962531